The following is an entry in ClinVar:

ClinVar aggregate classification (germline): Uncertain significance (1 of 4 stars; one submission).

Conditions:
Rhabdoid tumor predisposition syndrome 2 (RTPS2). Identifiers: Orphanet 231108, Orphanet 69077, MedGen C2750074, MONDO:0013224, OMIM 613325.

Allele frequency attached by ClinVar (database versions not stated): gnomAD exomes below 0.00001; gnomAD 0.00001.
gnomAD v4.1: 4 of 1,614,102 alleles (0.00025%); highest among the groups gnomAD compares: South Asian, 0.0033%; no homozygotes.

Submission:

Labcorp Genetics (formerly Invitae), Labcorp
Classification: Uncertain significance for Rhabdoid tumor predisposition syndrome 2. Last evaluated: 2024-05-22. Review status: criteria provided, single submitter. Criteria: Invitae Variant Classification Sherloc (09022015). Collection method: clinical testing. Allele origin: germline.
Comment: This sequence change falls in intron 10 of the SMARCA4 gene. It does not directly change the encoded amino acid sequence of the SMARCA4 protein. It affects a nucleotide within the consensus splice site. This variant is present in population databases (no rsID available, gnomAD 0.003%). This variant has not been reported in the literature in individuals affected with SMARCA4-related conditions. Variants that disrupt the consensus splice site are a relatively common cause of aberrant splicing (PMID: 17576681, 9536098). Algorithms developed to predict the effect of sequence changes on RNA splicing suggest that this variant is not likely to affect RNA splicing. In summary, the available evidence is currently insufficient to determine the role of this variant in disease. Therefore, it has been classified as a Variant of Uncertain Significance.

Literature cited by the submitters: PubMed 17576681; PubMed 9536098.

NM_003072.5(SMARCA4):c.1762-3C>T

Gene: SMARCA4 (SWI/SNF related BAF chromatin remodeling complex subunit ATPase 4; plus strand). Cytogenetic location: 19p13.2.
Variant type: single nucleotide variant.
Coding change: c.1762-3C>T on transcript NM_003072.5 (MANE Select); 3 bases into the intron before coding-DNA position 1762, C replaced by T.
Molecular consequence: intron variant.
Genome position (GRCh38, 1-based): chr19:10,996,491, C>T. VCF-style: chr19-10996491-C-T. GRCh37 (hg19) VCF-style: chr19-11107167-C-T.
Other names: c.1762-3C>T (NM_001387283.1, NM_001411150.1, NM_001374457.1 and 6 more transcripts).
Identifiers: ClinVar variation 2816667 (VCV002816667.3), dbSNP rs1458518590, ClinGen allele CA632115143.
Genomic context (GRCh38, chr19:10,996,491, plus strand): 5'-TCTTCACGTGTGTGGCCTCAGCCTTGTGGGTCAGGGCCTGACCGTGTCTCTCTCTATTTC[C>T]AGAAGGCAGAAAATGCAGAAGGACAGACGCCTGCCATTGGGCCGGATGGCGAGGTGAGGA-3'